The following is an entry in ClinVar:

ClinVar aggregate classification (germline): Uncertain significance (1 of 4 stars; one submission).

Conditions:
Mendelian susceptibility to mycobacterial diseases due to complete IL12RB1 deficiency. Also called: IL12RB1 DEFICIENCY; Immunodeficiency 30. Identifiers: Orphanet 319552, MedGen C4013949, MONDO:0013955, OMIM 614891.

Submission:

Labcorp Genetics (formerly Invitae), Labcorp
Classification: Uncertain significance for Mendelian susceptibility to mycobacterial diseases due to complete IL12RB1 deficiency. Last evaluated: 2019-10-21. Review status: criteria provided, single submitter. Criteria: Invitae Variant Classification Sherloc (09022015). Collection method: clinical testing. Allele origin: germline.
Comment: This sequence change replaces valine with leucine at codon 543 of the IL12RB1 protein (p.Val543Leu). The valine residue is moderately conserved and there is a small physicochemical difference between valine and leucine. This variant is not present in population databases (ExAC no frequency). This variant has not been reported in the literature in individuals with IL12RB1-related conditions. Algorithms developed to predict the effect of missense changes on protein structure and function output the following: SIFT: "Tolerated"; PolyPhen-2: "Benign"; Align-GVGD: "Class C0". The leucine amino acid residue is found in multiple mammalian species, suggesting that this missense change does not adversely affect protein function. These predictions have not been confirmed by published functional studies and their clinical significance is uncertain. In summary, the available evidence is currently insufficient to determine the role of this variant in disease. Therefore, it has been classified as a Variant of Uncertain Significance.

NM_005535.3(IL12RB1):c.1627G>C (p.Val543Leu)

Gene: IL12RB1 (interleukin 12 receptor subunit beta 1; minus strand). Cytogenetic location: 19p13.11.
Variant type: single nucleotide variant.
Coding change: c.1627G>C on transcript NM_005535.3 (MANE Select); coding-DNA position 1627, G replaced by C.
Protein change: p.Val543Leu; replaces valine 543 with leucine.
Molecular consequence: missense variant.
Genome position (GRCh38, 1-based): chr19:18,062,269, C>G on the plus strand (G>C on the coding strand, the complement: IL12RB1 is on the minus strand). VCF-style: chr19-18062269-C-G. GRCh37 (hg19) VCF-style: chr19-18173079-C-G.
Other names: c.1627G>C, p.Val543Leu (NM_001290023.2); c.1747G>C, p.Val583Leu (NM_001290024.2); short protein forms V583L, V543L.
Identifiers: ClinVar variation 957145 (VCV000957145.9), dbSNP rs2034194848, ClinGen allele CA404776206.
Genomic context (GRCh38, chr19:18,062,269, plus strand): 5'-CCACGAGAAGGATGCTCAGGAAGCTCCCCAGGGAGGCGAAGAAGATGAGCCAATCAGAAA[C>G]CTGCACTTCTGAGGTGGGAGAGCGTGGGTTGGCAGAGGGCTACCTCCTGCCTCTTCCTCA-3'
Protein context (NP_005526.1, residues 533-553): QPQRFSIEVQ[Val543Leu]SDWLIFFASL